The following is an entry in ClinVar:

ClinVar aggregate classification (germline): Likely pathogenic (1 of 4 stars; one submission).

Conditions:
Charlevoix-Saguenay spastic ataxia (SACS). Also called: SPASTIC ATAXIA 6, AUTOSOMAL RECESSIVE; AUTOSOMAL RECESSIVE SPASTIC ATAXIA OF CHARLEVOIX-SAGUENAY; Spastic ataxia of Charlevoix-Saguenay. Identifiers: Orphanet 98, MedGen C1849140, MONDO:0010041, OMIM 270550.

Submission:

3billion
Classification: Likely pathogenic for Charlevoix-Saguenay spastic ataxia. Last evaluated: 2022-05-22. Review status: criteria provided, single submitter. Criteria: ACMG Guidelines, 2015. Collection method: clinical testing. Allele origin: germline. Affected: yes. Observed: 1 heterozygote.
Comment: The variant is not observed in the gnomAD v2.1.1 dataset. Frameshift: predicted to result in a loss or disruption of normal protein function through protein truncation. The predicted truncated protein may be shortened by more than 10%. Multiple pathogenic variants are reported in the predicted truncated region. Therefore, this variant is classified as likely pathogenic according to the recommendation of ACMG/AMP guideline.

NM_014363.6(SACS):c.4684del (p.Ser1562fs)

Gene: SACS (sacsin molecular chaperone; minus strand). Cytogenetic location: 13q12.12.
Variant type: Deletion.
Coding change: c.4684del on transcript NM_014363.6 (MANE Select); coding-DNA position 4684, one base deleted (T; older notation c.4684delT).
Protein change: p.Ser1562fs; shifts the reading frame from serine 1562.
Molecular consequence: frameshift variant.
Genome position (GRCh38, 1-based): chr13:23,339,192, A deleted on the plus strand (T on the coding strand, the reverse complement: SACS is on the minus strand); the first of 2 consecutive A bases (chr13:23,339,192-23,339,193); deleting either gives the same sequence. VCF-style (leftmost placement, unchanged base first): chr13-23339191-GA-G. GRCh37 (hg19) VCF-style: chr13-23913330-GA-G.
Other names: c.4243del, p.Ser1415fs (NM_001278055.2); short protein forms S1415fs, S1562fs.
Identifiers: ClinVar variation 1687406 (VCV001687406.1), dbSNP rs1275667662, ClinGen allele CA2573149152.